The following is an entry in ClinVar:

NM_003839.4(TNFRSF11A):c.1837G>C (p.Gly613Arg)

Gene: TNFRSF11A (TNF receptor superfamily member 11a; plus strand). Cytogenetic location: 18q21.33.
Variant type: single nucleotide variant.
Coding change: c.1837G>C on transcript NM_003839.4 (MANE Select); coding-DNA position 1837, G replaced by C.
Protein change: p.Gly613Arg; replaces glycine 613 with arginine.
Molecular consequence: missense variant. On other transcripts: 3 prime UTR variant (1).
Genome position (GRCh38, 1-based): chr18:62,385,020, G>C. VCF-style: chr18-62385020-G-C. GRCh37 (hg19) VCF-style: chr18-60052253-G-C.
Other names: c.*261G>C (NM_001270949.2); c.1000G>C, p.Gly334Arg (NM_001270950.2); c.886G>C, p.Gly296Arg (NM_001270951.2); c.1795G>C, p.Gly599Arg (NM_001278268.2); short protein forms G296R, G334R, G599R, G613R.
Identifiers: ClinVar variation 1717405 (VCV001717405.5), dbSNP rs2511621880, ClinGen allele CA402621893.

ClinVar aggregate classification (germline): Uncertain significance (1 of 4 stars; one submission).

Submission:

Labcorp Genetics (formerly Invitae), Labcorp
Classification: Uncertain significance. Last evaluated: 2022-08-21. Review status: criteria provided, single submitter. Criteria: Invitae Variant Classification Sherloc (09022015). Collection method: clinical testing. Allele origin: germline.
Comment: This variant is not present in population databases (gnomAD no frequency). This sequence change replaces glycine, which is neutral and non-polar, with arginine, which is basic and polar, at codon 613 of the TNFRSF11A protein (p.Gly613Arg). In summary, the available evidence is currently insufficient to determine the role of this variant in disease. Therefore, it has been classified as a Variant of Uncertain Significance. Algorithms developed to predict the effect of missense changes on protein structure and function output the following: SIFT: "Tolerated"; PolyPhen-2: "Benign"; Align-GVGD: "Class C0". The arginine amino acid residue is found in multiple mammalian species, which suggests that this missense change does not adversely affect protein function. This variant has not been reported in the literature in individuals affected with TNFRSF11A-related conditions.